The following is an entry in ClinVar:

ClinVar aggregate classification (germline): Pathogenic/Likely pathogenic. Review status: criteria provided, multiple submitters, no conflicts (2 of 4 stars). 3 submissions from 3 submitters: Pathogenic (2); Likely pathogenic (1). Last evaluated 2024-09-05.

Conditions:
RHO-related disorder. Also called: RHO-related condition.
Retinitis pigmentosa 4 (RP4). Also called: RETINITIS PIGMENTOSA, RHODOPSIN-RELATED. Identifiers: Orphanet 791, MedGen C3151001, MONDO:0013395, OMIM 613731.

gnomAD v4.1: 1 of 1,614,248 alleles (0.000062%); highest among the groups gnomAD compares: Non-Finnish European, 0.000085%; no homozygotes.

Submissions (3):

Blueprint Genetics
Classification: Pathogenic for RHO-related disorders. Last evaluated: 2024-09-05. Review status: criteria provided, single submitter. Criteria: ACMG Guidelines, 2015. Collection method: clinical testing. Allele origin: germline. Affected: yes. Observed: 2 variant alleles.

Labcorp Genetics (formerly Invitae), Labcorp
Classification: Pathogenic. Last evaluated: 2021-06-06. Review status: criteria provided, single submitter. Criteria: Invitae Variant Classification Sherloc (09022015). Collection method: clinical testing. Allele origin: germline.
Comment: This variant has been observed in individual(s) with autosomal dominant retinitis pigmentosa (PMID: 25359768). In at least one individual the variant was observed to be de novo. ClinVar contains an entry for this variant (Variation ID: 984775). Advanced modeling of protein sequence and biophysical properties (such as structural, functional, and spatial information, amino acid conservation, physicochemical variation, residue mobility, and thermodynamic stability) performed at Invitae indicates that this missense variant is expected to disrupt RHO protein function. For these reasons, this variant has been classified as Pathogenic. Experimental studies have shown that this variant affects RHO protein function (PMID: 25359768). This variant is not present in population databases (ExAC no frequency). This sequence change replaces asparagine with lysine at codon 55 of the RHO protein (p.Asn55Lys). The asparagine residue is highly conserved and there is a moderate physicochemical difference between asparagine and lysine.

Centre for Genomic Medicine, Manchester, Central Manchester University Hospitals
Classification: Likely pathogenic for Retinitis pigmentosa 4. Last evaluated: 2020-09-01. Review status: criteria provided, single submitter. Criteria: ACMG Guidelines, 2015. Collection method: clinical testing. Allele origin: germline. Affected: yes. Observed: 3 heterozygotes.

Literature cited by the submitters: PubMed 25359768 (cited by Labcorp Genetics (formerly Invitae), Labcorp).

NM_000539.3(RHO):c.165C>A (p.Asn55Lys)

Gene: RHO (rhodopsin; plus strand). Cytogenetic location: 3q22.1.
Variant type: single nucleotide variant.
Coding change: c.165C>A on transcript NM_000539.3 (MANE Select); coding-DNA position 165, C replaced by A.
Protein change: p.Asn55Lys; replaces asparagine 55 with lysine.
Molecular consequence: missense variant.
Genome position (GRCh38, 1-based): chr3:129,528,898, C>A. VCF-style: chr3-129528898-C-A. GRCh37 (hg19) VCF-style: chr3-129247741-C-A.
Other names: short protein forms N55K.
Identifiers: ClinVar variation 984775 (VCV000984775.9), dbSNP rs1312862210, ClinGen allele CA354495999.